The following is an entry in ClinVar:

NM_000088.4(COL1A1):c.3049G>T (p.Ala1017Ser)

Gene: COL1A1 (collagen type I alpha 1 chain; minus strand). Cytogenetic location: 17q21.33.
Variant type: single nucleotide variant.
Coding change: c.3049G>T on transcript NM_000088.4 (MANE Select); coding-DNA position 3049, G replaced by T.
Protein change: p.Ala1017Ser; replaces alanine 1017 with serine.
Molecular consequence: missense variant.
Genome position (GRCh38, 1-based): chr17:50,188,792, C>A on the plus strand (G>T on the coding strand, the complement: COL1A1 is on the minus strand). VCF-style: chr17-50188792-C-A. GRCh37 (hg19) VCF-style: chr17-48266153-C-A.
Other names: p.Ala1017Ser; short protein forms A1017S.
Identifiers: ClinVar variation 3380499 (VCV003380499.1).

ClinVar aggregate classification (germline): Uncertain significance (1 of 4 stars; one submission).

Submission:

Mayo Clinic Laboratories, Mayo Clinic
Classification: Uncertain significance. Last evaluated: 2023-11-08. Review status: criteria provided, single submitter. Criteria: ACMG Guidelines, 2015. Collection method: clinical testing. Allele origin: germline. Observed: 1 variant allele.
Comment: BP4_strong, PP2, PM2